The following is an entry in ClinVar:

ClinVar aggregate classification (germline): Uncertain significance. Review status: criteria provided, multiple submitters, no conflicts (2 of 4 stars). 2 submissions from 2 submitters: Uncertain significance (2). Last evaluated 2026-03-19.

Conditions:
Patterned macular dystrophy 2. Identifiers: Orphanet 99001, MedGen C1837029, MONDO:0012162, OMIM 608970.
Hereditary cancer-predisposing syndrome. Also called: Tumor predisposition; Hereditary neoplastic syndrome; Neoplastic Syndromes, Hereditary; Hereditary Cancer Syndrome. Identifiers: Orphanet 140162, MedGen C0027672, MeSH D009386, MONDO:0015356.

Submissions (2):

Ambry Genetics
Classification: Uncertain significance for Hereditary cancer-predisposing syndrome. Last evaluated: 2026-03-19. Review status: criteria provided, single submitter. Criteria: Ambry Variant Classification Scheme 2023. Collection method: clinical testing. Allele origin: germline.
Comment: The c.2665_2667delAAG variant (also known as p.K889del) is located in coding exon 17 of the CTNNA1 gene. This variant results from an in-frame AAG deletion at nucleotide positions 2665 to 2667. This results in the in-frame deletion of a lysine at codon 889. This amino acid position is highly conserved in available vertebrate species. In addition, this variant is predicted to be deleterious by in silico analysis (Choi Y et al. PLoS ONE. 2012; 7(10):e46688). Based on the available evidence, the clinical significance of this variant remains unclear.

Baylor Genetics
Classification: Uncertain significance for Patterned macular dystrophy 2. Last evaluated: 2023-09-01. Review status: criteria provided, single submitter. Criteria: ACMG Guidelines, 2015. Collection method: clinical testing. Allele origin: unknown.

NM_001903.5(CTNNA1):c.2662AAG[1] (p.Lys889del)

Gene: CTNNA1 (catenin alpha 1; plus strand). Cytogenetic location: 5q31.2.
Variant type: Microsatellite.
Coding change: c.2662AAG[1] on transcript NM_001903.5 (MANE Select); one copy of the 3-base unit AAG starting at c.2662; the reference has two copies in a row; one copy, 3 bases deleted; also written c.2665_2667del.
Protein change: p.Lys889del; deletes lysine 889.
Molecular consequence: 3 prime UTR variant (on NM_001290307.3).
Genome position (GRCh38, 1-based): chr5:138,934,033-138,934,035, AAG deleted; deleting any 3 consecutive bases within chr5:138,934,028-138,934,035 gives the same sequence; the position shown is the placement nearest the transcript's 3' end. VCF-style (leftmost placement, unchanged base first): chr5-138934027-CAGA-C. GRCh37 (hg19) VCF-style: chr5-138269716-CAGA-C.
Other names: c.2665_2667del (NM_001903.5); c.2665_2667delAAG (NM_001903.2); c.*207AAG[1] (NM_001290307.3, NM_001324002.1, NM_001324003.1 and 2 more transcripts); c.2353AAG[1], p.Lys786del (NM_001290309.3); c.2293AAG[1], p.Lys766del (NM_001290310.3); c.1552AAG[1], p.Lys519del (NM_001290312.1, NM_001323987.1, NM_001323988.1 and 12 more transcripts); c.2662AAG[1], p.Lys889del (NM_001323982.2, NM_001323983.1, NM_001323984.2); c.2635AAG[1], p.Lys880del (NM_001323985.2); and 5 more; short protein forms K406del, K438del, K474del, K488del, K519del, K766del, K786del, K858del.
Identifiers: ClinVar variation 2681001 (VCV002681001.2), dbSNP rs2533956783, ClinGen allele CA2675501673.